The following is an entry in ClinVar:

NM_032999.4(GTF2I):c.219A>G (p.Gln73=)

Genes: GTF2I (general transcription factor IIi; plus strand), GTF2I-AS1 (GTF2I antisense RNA 1; minus strand). Cytogenetic location: 7q11.23.
Variant type: single nucleotide variant.
Coding change: c.219A>G on transcript NM_032999.4 (MANE Select); coding-DNA position 219, A replaced by G.
Protein change: p.Gln73=; no amino-acid change (glutamine 73 retained).
Molecular consequence: synonymous variant.
Genome position (GRCh38, 1-based): chr7:74,691,092, A>G. VCF-style: chr7-74691092-A-G. GRCh37 (hg19) VCF-style: chr7-74105424-A-G.
Other names: c.219A>G, p.Gln73= (NM_001163636.3, NM_001280800.2, NM_001518.5 and 3 more transcripts).
Identifiers: ClinVar variation 2657596 (VCV002657596.24), dbSNP rs143931854, ClinGen allele CA4297494.
Genomic context (GRCh38, chr7:74,691,092, plus strand): 5'-CGTGTTTGTCGTCGGAACTGAAAGAGGACGTGCTTTTGTCAATACCAGAAAGGATTTTCA[A>G]AAAGATTTTGTAAAATATTGTAAGCATTGTATTTTTATCTTTTGCATTTCATTAATTTTA-3'
Protein context (NP_127492.1, residues 63-83): RAFVNTRKDF[Gln73=]KDFVKYCVEE

ClinVar aggregate classification (germline): Likely benign (1 of 4 stars; one submission).

Allele frequency attached by ClinVar (database versions not stated): ESP Exome Variant Server 0.00015; gnomAD exomes 0.00037; ExAC 0.00045; gnomAD 0.00068; 1000 Genomes Project 30x 0.00094; 1000 Genomes Project 0.00100; TOPMed 0.00103.
gnomAD v4.1: 695 of 1,607,258 alleles (0.043%); highest among the groups gnomAD compares: Middle Eastern, 0.2%; 1 homozygote.

Submission:

CeGaT Center for Human Genetics Tuebingen
Classification: Likely benign. Last evaluated: 2026-09-01. Review status: criteria provided, single submitter. Criteria: CeGaT Center For Human Genetics Tuebingen Variant Classification Criteria Version 2. Collection method: clinical testing. Allele origin: germline. Affected: yes. Observed: 3 variant alleles.
Comment: GTF2I: BP4, BP7